The following is an entry in ClinVar:

NM_016604.4(KDM3B):c.4186C>T (p.Pro1396Ser)

Gene: KDM3B (lysine demethylase 3B; plus strand). Cytogenetic location: 5q31.2.
Variant type: single nucleotide variant.
Coding change: c.4186C>T on transcript NM_016604.4 (MANE Select); coding-DNA position 4186, C replaced by T.
Protein change: p.Pro1396Ser; replaces proline 1396 with serine.
Molecular consequence: missense variant.
Genome position (GRCh38, 1-based): chr5:138,424,288, C>T. VCF-style: chr5-138424288-C-T. GRCh37 (hg19) VCF-style: chr5-137759977-C-T.
Other names: short protein forms P1396S.
Identifiers: ClinVar variation 2663517 (VCV002663517.2), dbSNP rs2480311374, ClinGen allele CA361092121.
Genomic context (GRCh38, chr5:138,424,288, plus strand): 5'-CTAGATCCCCATACTTCTCACTCCTGGCTTTGTGATGGGAGGCTTCTGTGTCTCCATGAC[C>T]CCAGCAACAAAAACAATTGGAAGATCTTCCGGGAGTGTTGGAAGCAAGGTCAGGTAAGCA-3'
Protein context (NP_057688.3, residues 1386-1406): CDGRLLCLHD[Pro1396Ser]SNKNNWKIFR

ClinVar aggregate classification (germline): Uncertain significance (1 of 4 stars; one submission).

Submission:

GeneDx
Classification: Uncertain significance. Last evaluated: 2024-05-04. Review status: criteria provided, single submitter. Criteria: GeneDx Variant Classification Process June 2021. Collection method: clinical testing. Allele origin: germline.
Comment: Not observed at significant frequency in large population cohorts (gnomAD); In silico analysis supports that this missense variant has a deleterious effect on protein structure/function; Has not been previously published as pathogenic or benign to our knowledge